The following is an entry in ClinVar:

NM_003612.5(SEMA7A):c.1491C>T (p.Gly497=)

Gene: SEMA7A (semaphorin 7A (JohnMiltonHagen blood group); minus strand). Cytogenetic location: 15q24.1.
Variant type: single nucleotide variant.
Coding change: c.1491C>T on transcript NM_003612.5 (MANE Select); coding-DNA position 1491, C replaced by T.
Protein change: p.Gly497=; no amino-acid change (glycine 497 retained).
Molecular consequence: synonymous variant.
Genome position (GRCh38, 1-based): chr15:74,411,642, G>A on the plus strand (C>T on the coding strand, the complement: SEMA7A is on the minus strand). VCF-style: chr15-74411642-G-A. GRCh37 (hg19) VCF-style: chr15-74703983-G-A.
Other names: NC_000015.9:g.74703983G>A; c.1449C>T, p.Gly483= (NM_001146029.3); c.996C>T, p.Gly332= (NM_001146030.3).
Identifiers: ClinVar variation 3042116 (VCV003042116.4), dbSNP rs150179930, ClinGen allele CA7656891.
Genomic context (GRCh38, chr15:74,411,642, plus strand): 5'-GCGGCCTTGGTCCCAGCCGCAGTAGGGGTCTCGGGACATGAGGCAACCGTGGCAGCCCCC[G>A]CCATAGACCTCACACAGGTCCAGGGGCACCTGGCTCACCTCCCACTGGGAGCTCACATAC-3'
Protein context (NP_003603.1, residues 487-507): QVPLDLCEVY[Gly497=]GGCHGCLMSR

ClinVar aggregate classification (germline): Likely benign. Review status: criteria provided, single submitter (1 of 4 stars). 2 submissions from 2 submitters: Likely benign (1). 1 of the submissions does not count toward it. Last evaluated 2024-11-25.

Conditions:
SEMA7A-related disorder. Also called: SEMA7A-related condition.

Allele frequency attached by ClinVar (database versions not stated): gnomAD exomes 0.00063; ExAC 0.00180; 1000 Genomes Project 0.00499; 1000 Genomes Project 30x 0.00609; gnomAD 0.00649; ESP Exome Variant Server 0.00732; TOPMed 0.00779.
gnomAD v4.1: 1,937 of 1,612,364 alleles (0.12%); highest among the groups gnomAD compares: African/African-American, 2.3%; 21 homozygotes.

Submissions (4):

Blueprint Genetics
Classification: Likely benign. Last evaluated: 2024-11-25. Review status: criteria provided, single submitter. Criteria: ACMG Guidelines, 2015. Collection method: clinical testing. Allele origin: germline.

PreventionGenetics, part of Exact Sciences
Classification: Benign for SEMA7A-related condition. Last evaluated: 2019-08-20. Review status: no assertion criteria provided. Collection method: clinical testing. Allele origin: germline. Not counted in ClinVar's aggregate classification.
Comment: This variant is classified as benign based on ACMG/AMP sequence variant interpretation guidelines (Richards et al. 2015 PMID: 25741868, with internal and published modifications).

Dr. Peter K. Rogan Lab, Western University
No classification provided (evidence only). Condition: Clear cell carcinoma of kidney. Review status: no classification provided. Collection method: in vitro. Allele origin: not applicable. Functional consequence: retained intron. Not counted in ClinVar's aggregate classification.

Dr. Peter K. Rogan Lab, Western University
No classification provided (evidence only). Condition: Malignant tumor of esophagus. Review status: no classification provided. Collection method: in vitro. Allele origin: not applicable. Functional consequence: retained intron. Not counted in ClinVar's aggregate classification.